The following is an entry in ClinVar:

NM_006445.4(PRPF8):c.3179A>G (p.Glu1060Gly)

Gene: PRPF8 (pre-mRNA processing factor 8; minus strand). Cytogenetic location: 17p13.3.
Variant type: single nucleotide variant.
Coding change: c.3179A>G on transcript NM_006445.4 (MANE Select); coding-DNA position 3179, A replaced by G.
Protein change: p.Glu1060Gly; replaces glutamic acid 1060 with glycine.
Molecular consequence: missense variant.
Genome position (GRCh38, 1-based): chr17:1,674,562, T>C on the plus strand (A>G on the coding strand, the complement: PRPF8 is on the minus strand). VCF-style: chr17-1674562-T-C. GRCh37 (hg19) VCF-style: chr17-1577856-T-C.
Other names: short protein forms E1060G.
Identifiers: ClinVar variation 3713597 (VCV003713597.2).

ClinVar aggregate classification (germline): Uncertain significance (1 of 4 stars; one submission).

Submission:

Labcorp Genetics (formerly Invitae), Labcorp
Classification: Uncertain significance. Last evaluated: 2025-02-25. Review status: criteria provided, single submitter. Criteria: Invitae Variant Classification Sherloc (09022015). Collection method: clinical testing. Allele origin: germline.
Comment: This sequence change replaces glutamic acid, which is acidic and polar, with glycine, which is neutral and non-polar, at codon 1060 of the PRPF8 protein (p.Glu1060Gly). This variant is not present in population databases (gnomAD no frequency). This variant has not been reported in the literature in individuals affected with PRPF8-related conditions. Invitae Evidence Modeling of protein sequence and biophysical properties (such as structural, functional, and spatial information, amino acid conservation, physicochemical variation, residue mobility, and thermodynamic stability) indicates that this missense variant is not expected to disrupt PRPF8 protein function with a negative predictive value of 80%. In summary, the available evidence is currently insufficient to determine the role of this variant in disease. Therefore, it has been classified as a Variant of Uncertain Significance.